The following is an entry in ClinVar:

NM_017934.7(PHIP):c.2769G>A (p.Lys923=)

Gene: PHIP (PHIP subunit of CUL4-Ring ligase complex; minus strand). Cytogenetic location: 6q14.1.
Variant type: single nucleotide variant.
Coding change: c.2769G>A on transcript NM_017934.7 (MANE Select); coding-DNA position 2769, G replaced by A.
Protein change: p.Lys923=; no amino-acid change (lysine 923 retained).
Molecular consequence: synonymous variant.
Genome position (GRCh38, 1-based): chr6:78,982,886, C>T on the plus strand (G>A on the coding strand, the complement: PHIP is on the minus strand). VCF-style: chr6-78982886-C-T. GRCh37 (hg19) VCF-style: chr6-79692603-C-T.
Identifiers: ClinVar variation 4983659 (VCV004983659.1).

ClinVar aggregate classification (germline): Uncertain significance (1 of 4 stars; one submission).

Conditions:
PHIP-related disorder. Also called: PHIP-related condition; PHIP-related disorders.

Submission:

PreventionGenetics, part of Exact Sciences
Classification: Uncertain significance for PHIP-related condition. Last evaluated: 2026-02-17. Review status: criteria provided, single submitter. Criteria: ACMG Guidelines, 2015. Collection method: clinical testing. Allele origin: germline.
Comment: The PHIP c.2769G>A variant is not predicted to result in an amino acid change (p.=). This variant is predicted to alter splicing based on available splicing prediction programs (SpliceAI, Jaganathan et al. 2019. PubMed ID: 30661751). However, the use of computer prediction programs is not equivalent to functional evidence. To our knowledge, this variant has not been reported in the literature or in a large population database (gnomAD), indicating this variant is rare. At this time, the clinical significance of this variant is uncertain due to the absence of conclusive functional and genetic evidence.